The following is an entry in ClinVar:

NM_144988.4(ALG14):c.342_344del (p.Trp115del)

Gene: ALG14 (ALG14 UDP-N-acetylglucosaminyltransferase subunit; minus strand). Cytogenetic location: 1p21.3.
Variant type: Deletion.
Coding change: c.342_344del on transcript NM_144988.4 (MANE Select); coding-DNA positions 342 to 344, 3 bases deleted (CTG; older notation c.342_344delCTG).
Protein change: p.Trp115del; deletes tryptophan 115.
Molecular consequence: inframe deletion. On other transcripts: non-coding transcript variant (1).
Genome position (GRCh38, 1-based): chr1:95,027,205-95,027,207, CAG deleted on the plus strand (CTG on the coding strand, the reverse complement: ALG14 is on the minus strand). VCF-style (leftmost placement, unchanged base first): chr1-95027204-CCAG-C. GRCh37 (hg19) VCF-style: chr1-95492760-CCAG-C.
Other names: c.379_381del, p.Leu127del (NM_001305242.2); short protein forms L127del, W115del.
Identifiers: ClinVar variation 1046647 (VCV001046647.8), dbSNP rs1210554241, ClinGen allele CA524640661.
Genomic context (GRCh38, chr1:95,027,204, plus strand): 5'-CCTGTGAATTAGGGGAAAGGAGAGCCACATGGAGTGCAAGGTGGTGAAAACGGTGGAGGG[CCAG>C]GACTGCTGAACCTCCCGGCTTCTTGGAATTCGGTGAATGTAGTATTTGGTATACTAGAAG-3'

ClinVar aggregate classification (germline): Uncertain significance (1 of 4 stars; one submission).

Conditions:
Congenital myasthenic syndrome 15. Also called: Myasthenic syndrome, congenital, 15, without tubular aggregates. Identifiers: Orphanet 353327, Orphanet 590, MedGen C4015596, MONDO:0014542, OMIM 616227.

Allele frequency attached by ClinVar (database versions not stated): gnomAD exomes below 0.00001.

Submission:

Labcorp Genetics (formerly Invitae), Labcorp
Classification: Uncertain significance for Congenital myasthenic syndrome 15. Last evaluated: 2020-03-03. Review status: criteria provided, single submitter. Criteria: Invitae Variant Classification Sherloc (09022015). Collection method: clinical testing. Allele origin: germline.
Comment: In summary, the available evidence is currently insufficient to determine the role of this variant in disease. Therefore, it has been classified as a Variant of Uncertain Significance. Experimental studies and prediction algorithms are not available or were not evaluated, and the functional significance of this variant is currently unknown. This variant has not been reported in the literature in individuals with ALG14-related conditions. This variant is not present in population databases (ExAC no frequency). This variant, c.342_344del, results in the deletion of 1 amino acid(s) of the ALG14 protein (p.Trp115del), but otherwise preserves the integrity of the reading frame.